The following is an entry in ClinVar:

NM_006953.4(UPK3A):c.*26C>T

Gene: UPK3A (uroplakin 3A; plus strand). Cytogenetic location: 22q13.31.
Variant type: single nucleotide variant.
Coding change: c.*26C>T on transcript NM_006953.4 (MANE Select); 26 bases downstream of the stop codon, C replaced by T.
Molecular consequence: 3 prime UTR variant.
Genome position (GRCh38, 1-based): chr22:45,295,745, C>T. VCF-style: chr22-45295745-C-T. GRCh37 (hg19) VCF-style: chr22-45691626-C-T.
Other names: c.*26C>T (NM_001167574.2).
Identifiers: ClinVar variation 341988 (VCV000341988.6), dbSNP rs570266965, ClinGen allele CA10284567.

ClinVar aggregate classification (germline): Likely benign (1 of 4 stars; one submission).

Conditions:
Renal hypodysplasia/aplasia 1 (RHDA1). Also called: RENAL APLASIA; HEREDITARY RENAL APLASIA. Identifiers: Orphanet 411709, MedGen C1619700, MONDO:0024519, OMIM 191830.

Allele frequency attached by ClinVar (database versions not stated): gnomAD below 0.00001 and 0.00027; TOPMed 0.00006; gnomAD exomes 0.00048 and 0.00099; ExAC 0.00118; 1000 Genomes Project 30x 0.00265; 1000 Genomes Project 0.00319.

Submission:

Illumina Laboratory Services, Illumina
Classification: Likely benign for Renal hypodysplasia/aplasia 1. Last evaluated: 2018-01-13. Review status: criteria provided, single submitter. Criteria: ICSL Variant Classification Criteria 13 December 2019. Collection method: clinical testing. Allele origin: germline.
Comment: This variant was observed in the ICSL laboratory as part of a predisposition screen in an ostensibly healthy population. It had not been previously curated by ICSL or reported in the Human Gene Mutation Database (HGMD: prior to June 1st, 2018), and was therefore a candidate for classification through an automated scoring system. Utilizing variant allele frequency, disease prevalence and penetrance estimates, and inheritance mode, an automated score was calculated to assess if this variant is too frequent to cause the disease. Based on the score and internal cut-off values, a variant classified as likely benign is not then subjected to further curation. The score for this variant resulted in a classification of likely benign for this disease.